The following is an entry in ClinVar:

ClinVar aggregate classification (germline): Uncertain significance. Review status: criteria provided, multiple submitters, no conflicts (2 of 4 stars). 2 submissions from 2 submitters: Uncertain significance (2). Last evaluated 2023-08-24.

Conditions:
Developmental and epileptic encephalopathy, 62. Also called: Early infantile epileptic encephalopathy 62. Identifiers: MedGen C4693699, MONDO:0033371, OMIM 617938.
Epilepsy, familial focal, with variable foci 4 (FFEVF4). Identifiers: MedGen C4693694, MONDO:0054776, OMIM 617935.

gnomAD v4.1: 2 of 1,614,020 alleles (0.00012%); highest among the groups gnomAD compares: Non-Finnish European, 0.00017%; no homozygotes.

Submissions (2):

GeneDx
Classification: Uncertain significance. Last evaluated: 2023-08-24. Review status: criteria provided, single submitter. Criteria: GeneDx Variant Classification Process June 2021. Collection method: clinical testing. Allele origin: germline. Affected: yes.
Comment: Not observed at significant frequency in large population cohorts (gnomAD); In silico analysis supports that this missense variant has a deleterious effect on protein structure/function; Has not been previously published as pathogenic or benign to our knowledge

Department of Pathology and Laboratory Medicine, Sinai Health System
Classification: Uncertain significance for Epilepsy, familial focal, with variable foci 4; Developmental and epileptic encephalopathy, 62. Last evaluated: 2022-01-26. Review status: criteria provided, single submitter. Criteria: ACMG Guidelines, 2015. Collection method: research. Allele origin: germline.

NM_006922.4(SCN3A):c.5027A>T (p.Asn1676Ile)

Gene: SCN3A (sodium voltage-gated channel alpha subunit 3; minus strand). Cytogenetic location: 2q24.3.
Variant type: single nucleotide variant.
Coding change: c.5027A>T on transcript NM_006922.4 (MANE Select); coding-DNA position 5027, A replaced by T.
Protein change: p.Asn1676Ile; replaces asparagine 1676 with isoleucine.
Molecular consequence: missense variant.
Genome position (GRCh38, 1-based): chr2:165,091,126, T>A on the plus strand (A>T on the coding strand, the complement: SCN3A is on the minus strand). VCF-style: chr2-165091126-T-A. GRCh37 (hg19) VCF-style: chr2-165947636-T-A.
Other names: c.4880A>T, p.Asn1627Ile (NM_001081676.2, NM_001081677.2); short protein forms N1627I, N1676I.
Identifiers: ClinVar variation 2506793 (VCV002506793.4), dbSNP rs550328522, ClinGen allele CA349017590.
Genomic context (GRCh38, chr2:165,091,126, plus strand): 5'-CCAAAGGTCTCAAAGTTGAACATGTCATCAATTCCAGCTTCCTTTTTAACATAGGCAAAG[T>A]TGGACATCCCAAAGATGGCATAGATAAACATGACCAGGAAGAGCAGGAGGCCGATGTTAA-3'
Protein context (NP_008853.3, residues 1666-1686): MFIYAIFGMS[Asn1676Ile]FAYVKKEAGI